The following is an entry in ClinVar:

ClinVar aggregate classification (germline): Pathogenic/Likely pathogenic. Review status: criteria provided, multiple submitters, no conflicts (2 of 4 stars). 2 submissions from 2 submitters: Pathogenic (1); Likely pathogenic (1). Last evaluated 2019-02-07.

Conditions:
Hereditary cancer-predisposing syndrome. Also called: Hereditary Cancer Syndrome; Neoplastic Syndromes, Hereditary; Hereditary neoplastic syndrome; Tumor predisposition. Identifiers: Orphanet 140162, MedGen C0027672, MeSH D009386, MONDO:0015356.
Hereditary breast ovarian cancer syndrome. Also called: Hereditary breast and ovarian cancer syndrome (HBOC); Breast and ovarian cancer; Hereditary breast and ovarian cancer syndrome; Hereditary breast and ovarian cancer; BRCA1- and BRCA2-Associated Hereditary Breast and Ovarian Cancer; Hereditary breast and/or ovarian cancer syndrome. Identifiers: Orphanet 145, MedGen C0677776, MeSH D061325, MONDO:0003582. Disease mechanism: loss of function.

Submissions (3):

Ambry Genetics
Classification: Likely pathogenic for Hereditary cancer-predisposing syndrome. Last evaluated: 2019-02-07. Review status: criteria provided, single submitter. Criteria: Ambry Variant Classification Scheme 2023. Collection method: clinical testing. Allele origin: germline.
Comment: The c.4987-2A>C intronic variant results from an A to C substitution two nucleotides upstream from coding exon 15 in the BRCA1 gene. This nucleotide position is highly conserved in available vertebrate species. Using the BDGP and ESEfinder splice site prediction tools, this alteration is predicted to abolish the native splice acceptor site; however, direct evidence is unavailable. Alterations that disrupt the canonical splice site are expected to cause aberrant splicing, resulting in an abnormal protein or a transcript that is subject to nonsense-mediated mRNA decay. As such, this alteration is classified as likely pathogenic.

Labcorp Genetics (formerly Invitae), Labcorp
Classification: Pathogenic for Hereditary breast ovarian cancer syndrome. Last evaluated: 2019-01-30. Review status: criteria provided, single submitter. Criteria: Invitae Variant Classification Sherloc (09022015). Collection method: clinical testing. Allele origin: germline.
Comment: For these reasons, this variant has been classified as Pathogenic. Donor and acceptor splice site variants typically lead to a loss of protein function (PMID: 16199547), and loss-of-function variants in BRCA1 are known to be pathogenic (PMID: 20104584). Experimental studies have shown that this variant disrupts mRNA splicing and/or protein function (PMID: 30209399). This variant has not been reported in the literature in individuals with BRCA1-related conditions. ClinVar contains an entry for this variant (Variation ID: 240810). This variant is not present in population databases (ExAC no frequency). This sequence change affects an acceptor splice site in intron 15 of the BRCA1 gene. It is expected to disrupt RNA splicing and likely results in an absent or disrupted protein product.

Brotman Baty Institute, University of Washington
No classification provided (evidence only). Condition: Breast-ovarian cancer, familial 1. Review status: no classification provided. Collection method: in vitro. Allele origin: not applicable. Functional consequence: functionally_abnormal. Not counted in ClinVar's aggregate classification.
ClinVar note: "not provided" was previously submitted as the classification for the variant. However, the classification appeared to be based only on an observation of functional data so it was converted to no classification on 2025-07-30.

Literature cited by the submitters: PubMed 30209399 (cited by Ambry Genetics and Labcorp Genetics (formerly Invitae), Labcorp); PubMed 16199547 (cited by Labcorp Genetics (formerly Invitae), Labcorp); PubMed 20104584 (cited by Labcorp Genetics (formerly Invitae), Labcorp).

NM_007294.4(BRCA1):c.4987-2A>C

Gene: BRCA1 (BRCA1 DNA repair associated; minus strand). Cytogenetic location: 17q21.31.
Variant type: single nucleotide variant.
Coding change: c.4987-2A>C on transcript NM_007294.4 (MANE Select); the canonical splice acceptor site of the intron before coding-DNA position 4987, A replaced by C.
Molecular consequence: splice acceptor variant. On other transcripts: intron variant (1).
Genome position (GRCh38, 1-based): chr17:43,067,697, T>G on the plus strand (A>C on the coding strand, the complement: BRCA1 is on the minus strand). VCF-style: chr17-43067697-T-G. GRCh37 (hg19) VCF-style: chr17-41219714-T-G.
Other names: c.1672-2A>C (NM_001408400.1, NM_001408392.1, NM_001408401.1 and 8 more transcripts); c.1675-2A>C (NM_001407986.1, NM_001407985.1, NM_001408472.1 and 12 more transcripts); c.1741-2A>C (NM_001407972.1); c.4981-2A>C (NM_001407630.1, NM_001407633.1, NM_001407627.1 and 14 more transcripts); c.4984-2A>C (NM_001407615.1, NM_001407614.1, NM_001407626.1 and 17 more transcripts); c.5047-2A>C (NM_001407591.1, NM_001407590.1); c.1552-2A>C (NM_001408441.1, NM_001408437.1, NM_001408435.1 and 10 more transcripts); c.1555-2A>C (NM_001408429.1, NM_001408430.1, NM_001408426.1 and 4 more transcripts); and 71 more.
Identifiers: ClinVar variation 240810 (VCV000240810.16), dbSNP rs397509212, ClinGen allele CA10583555.